The following is an entry in ClinVar:

NM_000051.4(ATM):c.893A>C (p.Gln298Pro)

Gene: ATM (ATM serine/threonine kinase; plus strand). Cytogenetic location: 11q22.3.
Variant type: single nucleotide variant.
Coding change: c.893A>C on transcript NM_000051.4 (MANE Select); coding-DNA position 893, A replaced by C.
Protein change: p.Gln298Pro; replaces glutamine 298 with proline.
Molecular consequence: missense variant.
Genome position (GRCh38, 1-based): chr11:108,245,018, A>C. VCF-style: chr11-108245018-A-C. GRCh37 (hg19) VCF-style: chr11-108115745-A-C.
Other names: c.893A>C, p.Gln298Pro (NM_001351834.2); short protein forms Q298P.
Identifiers: ClinVar variation 1016582 (VCV001016582.8), dbSNP rs2079775401, ClinGen allele CA382529622.

ClinVar aggregate classification (germline): Uncertain significance (1 of 4 stars; one submission).

Conditions:
Ataxia-telangiectasia syndrome (AT). Also called: Cerebello-oculocutaneous telangiectasia; Immunodeficiency with ataxia telangiectasia; ATAXIA-TELANGIECTASIA, COMPLEMENTATION GROUP A; ATAXIA-TELANGIECTASIA, FRESNO VARIANT; LOUIS-BAR SYNDROME; Ataxia-telangiectasia, complementation group E. Identifiers: Orphanet 100, MedGen C0004135, MONDO:0008840, OMIM 208900.

Allele frequency attached by ClinVar (database versions not stated): gnomAD exomes below 0.00001.
gnomAD v4.1: 1 of 1,603,656 alleles (0.000062%); highest among the groups gnomAD compares: South Asian, 0.0011%; no homozygotes.

Submission:

Labcorp Genetics (formerly Invitae), Labcorp
Classification: Uncertain significance for Ataxia-telangiectasia syndrome. Last evaluated: 2021-06-16. Review status: criteria provided, single submitter. Criteria: Invitae Variant Classification Sherloc (09022015). Collection method: clinical testing. Allele origin: germline.
Comment: This variant is not present in population databases (ExAC no frequency). Advanced modeling of protein sequence and biophysical properties (such as structural, functional, and spatial information, amino acid conservation, physicochemical variation, residue mobility, and thermodynamic stability) performed at Invitae indicates that this missense variant is not expected to disrupt ATM protein function. This variant has not been reported in the literature in individuals with ATM-related conditions. This sequence change replaces glutamine with proline at codon 298 of the ATM protein (p.Gln298Pro). The glutamine residue is moderately conserved and there is a moderate physicochemical difference between glutamine and proline. In summary, the available evidence is currently insufficient to determine the role of this variant in disease. Therefore, it has been classified as a Variant of Uncertain Significance.